The following is an entry in ClinVar:

ClinVar aggregate classification (germline): Pathogenic (1 of 4 stars; one submission).

Conditions:
Bardet-Biedl syndrome (BBS). Identifiers: Orphanet 110, MedGen C0752166, MONDO:0015229.

Submission:

Labcorp Genetics (formerly Invitae), Labcorp
Classification: Pathogenic for Bardet-Biedl syndrome. Last evaluated: 2022-12-22. Review status: criteria provided, single submitter. Criteria: Invitae Variant Classification Sherloc (09022015). Collection method: clinical testing. Allele origin: germline.
Comment: This variant disrupts a region of the BBS10 protein in which other variant(s) (p.Val707*) have been determined to be pathogenic (PMID: 20472660, 22773737, 25982971, 27486776). This suggests that this is a clinically significant region of the protein, and that variants that disrupt it are likely to be disease-causing. For these reasons, this variant has been classified as Pathogenic. This variant has not been reported in the literature in individuals affected with BBS10-related conditions. This variant is not present in population databases (gnomAD no frequency). This sequence change creates a premature translational stop signal (p.Ile447Tyrfs*3) in the BBS10 gene. While this is not anticipated to result in nonsense mediated decay, it is expected to disrupt the last 277 amino acid(s) of the BBS10 protein.

Literature cited by the submitters: PubMed 20472660; PubMed 22773737; PubMed 25982971; PubMed 27486776.

NM_024685.4(BBS10):c.1338dup (p.Ile447fs)

Gene: BBS10 (Bardet-Biedl syndrome 10; minus strand). Cytogenetic location: 12q21.2.
Variant type: Duplication.
Coding change: c.1338dup on transcript NM_024685.4 (MANE Select); coding-DNA position 1338, one base duplicated (T; older notation c.1338dupT).
Protein change: p.Ile447fs; shifts the reading frame from isoleucine 447.
Molecular consequence: frameshift variant.
Genome position (GRCh38, 1-based): chr12:76,346,647, A duplicated on the plus strand (T on the coding strand, the reverse complement: BBS10 is on the minus strand); the first of 5 consecutive A bases (chr12:76,346,647-76,346,651); duplicating any one gives the same sequence. VCF-style (leftmost placement, unchanged base first): chr12-76346646-T-TA. GRCh37 (hg19) VCF-style: chr12-76740426-T-TA.
Other names: short protein forms I447fs.
Identifiers: ClinVar variation 2823180 (VCV002823180.3), dbSNP rs1389599028, ClinGen allele CA2739272195.